The following is an entry in ClinVar:

ClinVar aggregate classification (germline): Benign. Review status: criteria provided, multiple submitters, no conflicts (2 of 4 stars). 10 submissions from 10 submitters: Benign (7). 3 of the submissions do not count toward it. Last evaluated 2026-02-04.

Conditions:
Xeroderma pigmentosum, group G (XPG). Also called: ERCC5-Related Xeroderma Pigmentosum; XP, GROUP G; Xeroderma pigmentosum type 7; XERODERMA PIGMENTOSUM VII. Identifiers: MedGen C0268141, MONDO:0010216, OMIM 278780.

Allele frequency attached by ClinVar (database versions not stated): 1000 Genomes Project 0.01877; 1000 Genomes Project 30x 0.01905; gnomAD 0.02485 and 0.02515; TOPMed 0.02587; ESP Exome Variant Server 0.02676; ExAC 0.02937; gnomAD exomes 0.02990 and 0.03520.
gnomAD v4.1: 55,272 of 1,614,194 alleles (3.4%); highest among the groups gnomAD compares: Middle Eastern, 6.7%; 1,108 homozygotes.

Submissions (10):

Labcorp Genetics (formerly Invitae), Labcorp
Classification: Benign. Last evaluated: 2026-02-04. Review status: criteria provided, single submitter. Criteria: Invitae Variant Classification Sherloc (09022015). Collection method: clinical testing. Allele origin: germline.

KCCC/NGS Laboratory, Kuwait Cancer Control Center
Classification: Benign for Xeroderma pigmentosum, group G. Last evaluated: 2025-02-01. Review status: criteria provided, single submitter. Criteria: ACMG Guidelines, 2015. Collection method: clinical testing. Allele origin: germline. Affected: no.

GeneDx
Classification: Benign. Last evaluated: 2021-04-05. Review status: criteria provided, single submitter. Criteria: GeneDx Variant Classification Process June 2021. Collection method: clinical testing. Allele origin: germline. Affected: yes.

Illumina Laboratory Services, Illumina
Classification: Benign for Xeroderma pigmentosum, group G. Last evaluated: 2018-01-13. Review status: criteria provided, single submitter. Criteria: ICSL Variant Classification Criteria 13 December 2019. Collection method: clinical testing. Allele origin: germline.
Comment: This variant was observed in the ICSL laboratory as part of a predisposition screen in an ostensibly healthy population. It had not been previously curated by ICSL or reported in the Human Gene Mutation Database (HGMD: prior to June 1st, 2018), and was therefore a candidate for classification through an automated scoring system. Utilizing variant allele frequency, disease prevalence and penetrance estimates, and inheritance mode, an automated score was calculated to assess if this variant is too frequent to cause the disease. Based on the score and internal cut-off values, a variant classified as benign is not then subjected to further curation. The score for this variant resulted in a classification of benign for this disease.

Clinical Genetics DNA and cytogenetics Diagnostics Lab, Erasmus MC, Erasmus Medical Center
Classification: Benign for Xeroderma pigmentosum, group G. Last evaluated: 2015-09-21. Review status: criteria provided, single submitter. Criteria: ACGS Guidelines, 2013. Collection method: clinical testing. Allele origin: germline. Affected: yes. Study: VKGL Data-share Consensus.

Breakthrough Genomics
Classification: Benign. Review status: criteria provided, single submitter. Criteria: ACMG Guidelines, 2015. Collection method: not provided. Allele origin: germline. Inheritance: Autosomal recessive inheritance. Affected: yes.

PreventionGenetics, part of Exact Sciences
Classification: Benign. Review status: criteria provided, single submitter. Criteria: ACMG Guidelines, 2015. Collection method: clinical testing. Allele origin: germline.

Genome Diagnostics Laboratory, Amsterdam University Medical Center
Classification: Benign for Xeroderma pigmentosum, group G. Last evaluated: 2015-05-08. Review status: no assertion criteria provided. Criteria: ACGS Guidelines, 2013. Collection method: clinical testing. Allele origin: germline. Affected: yes. Study: VKGL Data-share Consensus. Not counted in ClinVar's aggregate classification.

ITMI
No classification provided. Condition: AllHighlyPenetrant. Last evaluated: 2013-09-19. Review status: no classification provided. Collection method: reference population. Allele origin: germline. Not counted in ClinVar's aggregate classification.
Comment: Please see associated publication for description of ethnicities

Genetic Services Laboratory, University of Chicago
Classification: Likely benign for AllHighlyPenetrant. Review status: no assertion criteria provided. Collection method: clinical testing. Allele origin: germline. Inheritance: Autosomal recessive inheritance. Not counted in ClinVar's aggregate classification.
Comment: Likely benign based on allele frequency in 1000 Genomes Project or ESP global frequency and its presence in a patient with a rare or unrelated disease phenotype. NOT Sanger confirmed.

Literature cited by the submitters: PubMed 24728327 (cited by ITMI).

NM_000123.4(ERCC5):c.760A>G (p.Met254Val)

Genes: BIVM-ERCC5 (BIVM-ERCC5 readthrough; plus strand), ERCC5 (ERCC excision repair 5, endonuclease; plus strand). Cytogenetic location: 13q33.1.
Variant type: single nucleotide variant.
Coding change: c.760A>G on transcript NM_000123.4 (MANE Select); coding-DNA position 760, A replaced by G.
Protein change: p.Met254Val; replaces methionine 254 with valine.
Molecular consequence: missense variant.
Genome position (GRCh38, 1-based): chr13:102,861,594, A>G. VCF-style: chr13-102861594-A-G. GRCh37 (hg19) VCF-style: chr13-103513944-A-G.
Other names: c.2122A>G (NM_001204425.1); c.2122A>G, p.Met708Val (NM_001204425.2); short protein forms M254V, M708V.
Identifiers: ClinVar variation 129012 (VCV000129012.23), dbSNP rs1047769, ClinGen allele CA152771.